The following is an entry in ClinVar:

NM_020778.5(ALPK3):c.2230A>G (p.Thr744Ala)

Gene: ALPK3 (alpha kinase 3; plus strand). Cytogenetic location: 15q25.3.
Variant type: single nucleotide variant.
Coding change: c.2230A>G on transcript NM_020778.5 (MANE Select); coding-DNA position 2230, A replaced by G.
Protein change: p.Thr744Ala; replaces threonine 744 with alanine.
Molecular consequence: missense variant.
Genome position (GRCh38, 1-based): chr15:84,856,968, A>G. VCF-style: chr15-84856968-A-G. GRCh37 (hg19) VCF-style: chr15-85400199-A-G.
Other names: short protein forms T744A.
Identifiers: ClinVar variation 1470078 (VCV001470078.14), dbSNP rs754504711, ClinGen allele CA7709367.
Genomic context (GRCh38, chr15:84,856,968, plus strand): 5'-TCTGAGCAAGAGGTGGCAACCAGCCTCGGCCCACCATCCAGAACCCCCAAACTCCCACCT[A>G]CAGCGGGTCCTAGAGCTCCTCTGAATATTGAATGTTTTGTACAGACCCCAGAAGGGTCTT-3'
Protein context (NP_065829.4, residues 734-754): PPSRTPKLPP[Thr744Ala]AGPRAPLNIE

ClinVar aggregate classification (germline): Conflicting classifications of pathogenicity. Review status: criteria provided, conflicting classifications (1 of 4 stars). 4 submissions from 4 submitters: Uncertain significance (3); Likely benign (1). Last evaluated 2026-01-28.

Conditions:
ALPK3-related disorder. Also called: ALPK3-related condition.
Cardiovascular phenotype. Identifiers: MedGen CN230736.

Allele frequency attached by ClinVar (database versions not stated): gnomAD exomes below 0.00001 and 0.00001; ExAC 0.00001; TOPMed 0.00006.
gnomAD v4.1: 7 of 1,614,014 alleles (0.00043%); highest among the groups gnomAD compares: African/African-American, 0.0093%; no homozygotes.

Submissions (4):

Labcorp Genetics (formerly Invitae), Labcorp
Classification: Uncertain significance. Last evaluated: 2026-01-28. Review status: criteria provided, single submitter. Criteria: Invitae Variant Classification Sherloc (09022015). Collection method: clinical testing. Allele origin: germline.
Comment: This sequence change replaces threonine, which is neutral and polar, with alanine, which is neutral and non-polar, at codon 946 of the ALPK3 protein (p.Thr946Ala). This variant is present in population databases (rs754504711, gnomAD 0.01%). This variant has not been reported in the literature in individuals affected with ALPK3-related conditions. ClinVar contains an entry for this variant (Variation ID: 1470078). Invitae Evidence Modeling of protein sequence and biophysical properties (such as structural, functional, and spatial information, amino acid conservation, physicochemical variation, residue mobility, and thermodynamic stability) indicates that this missense variant is not expected to disrupt ALPK3 protein function with a negative predictive value of 80%. In summary, the available evidence is currently insufficient to determine the role of this variant in disease. Therefore, it has been classified as a Variant of Uncertain Significance.

PreventionGenetics, part of Exact Sciences
Classification: Uncertain significance for ALPK3-related condition. Last evaluated: 2025-08-14. Review status: criteria provided, single submitter. Criteria: ACMG Guidelines, 2015. Collection method: clinical testing. Allele origin: germline.
Comment: The ALPK3 c.2836A>G variant is predicted to result in the amino acid substitution p.Thr946Ala. To our knowledge, this variant has not been reported in the literature. This variant is reported in 0.012% of alleles in individuals of African descent in gnomAD. At this time, the clinical significance of this variant is uncertain due to the absence of conclusive functional and genetic evidence.

Ambry Genetics
Classification: Likely benign for Cardiovascular phenotype. Last evaluated: 2024-11-21. Review status: criteria provided, single submitter. Criteria: Ambry Variant Classification Scheme 2023. Collection method: clinical testing. Allele origin: germline.

GeneDx
Classification: Uncertain significance. Last evaluated: 2024-08-01. Review status: criteria provided, single submitter. Criteria: GeneDx Variant Classification Process June 2021. Collection method: clinical testing. Allele origin: germline. Affected: yes.
Comment: Not observed at significant frequency in large population cohorts (gnomAD); In silico analysis indicates that this missense variant does not alter protein structure/function; Has not been previously published as pathogenic or benign to our knowledge